The following is an entry in ClinVar:

ClinVar aggregate classification (germline): Uncertain significance. Review status: criteria provided, multiple submitters, no conflicts (2 of 4 stars). 4 submissions from 4 submitters: Uncertain significance (2). 2 of the submissions do not count toward it. Last evaluated 2023-12-23.

Conditions:
Fanconi anemia complementation group A (FANCA). Also called: FANCA-Related Fanconi Anemia; Fanconi anemia, group A. Identifiers: Orphanet 84, MedGen C3469521, MONDO:0009215, OMIM 227650.
FANCA-related disorder. Also called: FANCA-related condition.
Fanconi anemia (FA). Also called: Fanconi's anemia. Identifiers: Orphanet 84, MedGen C0015625, MeSH D005199, MONDO:0019391.

Allele frequency attached by ClinVar (database versions not stated): gnomAD exomes 0.00001; TOPMed 0.00001; ExAC 0.00002; ESP Exome Variant Server 0.00008.

Submissions (4):

Fulgent Genetics
Classification: Uncertain significance for Fanconi anemia complementation group A. Last evaluated: 2023-12-23. Review status: criteria provided, single submitter. Criteria: ACMG Guidelines, 2015. Collection method: clinical testing. Allele origin: germline.

Labcorp Genetics (formerly Invitae), Labcorp
Classification: Uncertain significance for Fanconi anemia. Last evaluated: 2023-07-07. Review status: criteria provided, single submitter. Criteria: Invitae Variant Classification Sherloc (09022015). Collection method: clinical testing. Allele origin: germline.
Comment: In summary, the available evidence is currently insufficient to determine the role of this variant in disease. Therefore, it has been classified as a Variant of Uncertain Significance. Advanced modeling of protein sequence and biophysical properties (such as structural, functional, and spatial information, amino acid conservation, physicochemical variation, residue mobility, and thermodynamic stability) performed at Invitae indicates that this missense variant is not expected to disrupt FANCA protein function. ClinVar contains an entry for this variant (Variation ID: 1060015). This variant has not been reported in the literature in individuals affected with FANCA-related conditions. This variant is present in population databases (rs377637236, gnomAD 0.003%). This sequence change replaces arginine, which is basic and polar, with glutamine, which is neutral and polar, at codon 487 of the FANCA protein (p.Arg487Gln).

PreventionGenetics, part of Exact Sciences
Classification: Uncertain significance for FANCA-related condition. Last evaluated: 2024-08-08. Review status: no assertion criteria provided. Collection method: clinical testing. Allele origin: germline. Not counted in ClinVar's aggregate classification.
Comment: The FANCA c.1460G>A variant is predicted to result in the amino acid substitution p.Arg487Gln. To our knowledge, this variant has not been reported in the literature. This variant is reported in 0.0033% of alleles in individuals of South Asian descent in gnomAD. At this time, the clinical significance of this variant is uncertain due to the absence of conclusive functional and genetic evidence.

Natera, Inc.
Classification: Uncertain significance for Fanconi anemia. Last evaluated: 2021-08-30. Review status: no assertion criteria provided. Collection method: clinical testing. Allele origin: germline. Not counted in ClinVar's aggregate classification.

NM_000135.4(FANCA):c.1460G>A (p.Arg487Gln)

Gene: FANCA (FA complementation group A; minus strand). Cytogenetic location: 16q24.3.
Variant type: single nucleotide variant.
Coding change: c.1460G>A on transcript NM_000135.4 (MANE Select); coding-DNA position 1460, G replaced by A.
Protein change: p.Arg487Gln; replaces arginine 487 with glutamine.
Molecular consequence: missense variant.
Genome position (GRCh38, 1-based): chr16:89,784,864, C>T on the plus strand (G>A on the coding strand, the complement: FANCA is on the minus strand). VCF-style: chr16-89784864-C-T. GRCh37 (hg19) VCF-style: chr16-89851272-C-T.
Other names: c.1460G>A, p.Arg487Gln (NM_001286167.3); c.1460G>A (NM_000135.2); short protein forms R487Q.
Identifiers: ClinVar variation 1060015 (VCV001060015.13), dbSNP rs377637236, ClinGen allele CA8252332.